The following is an entry in ClinVar:

ClinVar aggregate classification (germline): Uncertain significance (1 of 4 stars; one submission).

Conditions:
Singleton-Merten syndrome 1 (SGMRT1). Also called: Widened medullary cavities of bone, aortic calcification, abnormal dentition, and muscular weakness; Syndrome of widened medullary cavities of the metacarpals and phalanges, aortic calcification and abnormal dentition. Identifiers: Orphanet 85191, MedGen C4225427, MONDO:0024535, OMIM 182250.
Aicardi-Goutieres syndrome 7 (AGS7). Identifiers: Orphanet 51, MedGen C3888244, MONDO:0014367, OMIM 615846.

Allele frequency attached by ClinVar (database versions not stated): gnomAD exomes below 0.00001; TOPMed 0.00002; gnomAD 0.00003.

Submission:

Labcorp Genetics (formerly Invitae), Labcorp
Classification: Uncertain significance for Aicardi-Goutieres syndrome 7; Singleton-Merten syndrome 1. Last evaluated: 2024-06-26. Review status: criteria provided, single submitter. Criteria: Invitae Variant Classification Sherloc (09022015). Collection method: clinical testing. Allele origin: germline.
Comment: This sequence change creates a premature translational stop signal (p.Met816Argfs*38) in the IFIH1 gene. It is expected to result in an absent or disrupted protein product. However, the current clinical and genetic evidence is not sufficient to establish whether loss-of-function variants in IFIH1 cause disease. This variant is present in population databases (no rsID available, gnomAD 0.009%). This variant has not been reported in the literature in individuals affected with IFIH1-related conditions. ClinVar contains an entry for this variant (Variation ID: 1502501). In summary, the available evidence is currently insufficient to determine the role of this variant in disease. Therefore, it has been classified as a Variant of Uncertain Significance.

NM_022168.4(IFIH1):c.2447del (p.Met816fs)

Gene: IFIH1 (interferon induced with helicase C domain 1; minus strand). Cytogenetic location: 2q24.2.
Variant type: Deletion.
Coding change: c.2447del on transcript NM_022168.4 (MANE Select); coding-DNA position 2447, one base deleted (T; older notation c.2447delT).
Protein change: p.Met816fs; shifts the reading frame from methionine 816.
Molecular consequence: frameshift variant.
Genome position (GRCh38, 1-based): chr2:162,273,802, A deleted on the plus strand (T on the coding strand, the reverse complement: IFIH1 is on the minus strand). VCF-style (leftmost placement, unchanged base first): chr2-162273801-CA-C. GRCh37 (hg19) VCF-style: chr2-163130311-CA-C.
Other names: short protein forms M816fs.
Identifiers: ClinVar variation 1502501 (VCV001502501.6), dbSNP rs1349369420, ClinGen allele CA537101417.
Genomic context (GRCh38, chr2:162,273,801, plus strand): 5'-ATAGGAACACAACAAATAAAAATTAACATAGTAAGTAGAGGTATTTGAATGTACCTGGAC[CA>C]TGGCTATTTCATTGGTGACGAGACCATAACGGATAACAATGTTACATTCTTTAATATCCA-3'